The following is an entry in ClinVar:

ClinVar aggregate classification (germline): Conflicting classifications of pathogenicity. Review status: criteria provided, conflicting classifications (1 of 4 stars). 2 submissions from 2 submitters: Pathogenic (1); Uncertain significance (1). Last evaluated 2025-04-09.

Conditions:
NPTN-related neurodevelopmental disorder.
Developmental disorder. Identifiers: MedGen C0008073.

Submissions (2):

Institute of Human Genetics, University of Leipzig Medical Center
Classification: Pathogenic for NPTN-related neurodevelopmental disorder. Last evaluated: 2025-04-09. Review status: criteria provided, single submitter. Criteria: ACMG Guidelines, 2015. Collection method: research. Allele origin: de novo. Inheritance: Autosomal dominant inheritance. Affected: yes.
Comment: Criteria applied: PVS1, PS2_MOD, PM2_SUP

Department of Genetics, Rouen University Hospital, Normandy Center for Genomic and Personalized Medicine
Classification: Uncertain significance for Developmental disorder. Last evaluated: 2021-04-09. Review status: criteria provided, single submitter. Criteria: ACMG Guidelines, 2015. Collection method: clinical testing. Allele origin: de novo. Affected: yes.

NM_012428.4(NPTN):c.14C>A (p.Ser5Ter)

Gene: NPTN (neuroplastin; minus strand). Cytogenetic location: 15q24.1.
Variant type: single nucleotide variant.
Coding change: c.14C>A on transcript NM_012428.4 (MANE Select); coding-DNA position 14, C replaced by A.
Protein change: p.Ser5Ter; replaces serine 5 with a stop codon.
Molecular consequence: nonsense.
Genome position (GRCh38, 1-based): chr15:73,633,202, G>T on the plus strand (C>A on the coding strand, the complement: NPTN is on the minus strand). VCF-style: chr15-73633202-G-T. GRCh37 (hg19) VCF-style: chr15-73925543-G-T.
Other names: c.14C>A, p.Ser5Ter (NM_001161363.2, NM_001161364.2, NM_017455.4); short protein forms S5*.
Identifiers: ClinVar variation 1343197 (VCV001343197.3), dbSNP rs1449689929, ClinGen allele CA393249838.
Genomic context (GRCh38, chr15:73,633,202, plus strand): 5'-GGCCCTGGGAGGAGGGAGCCAGAGACCAGCAACAGCGAGAGGGCCAGGGCGCTGGGCAGC[G>T]ACGAACCCGACATCCTCCCTAGCAGAAGACCCAACAGCGAATGGGCCGGGGCCAGAGCCG-3'